The following is an entry in ClinVar:

ClinVar aggregate classification (germline): Uncertain significance (1 of 4 stars; one submission).

Allele frequency attached by ClinVar (database versions not stated): ExAC 0.00001; gnomAD exomes 0.00001.
gnomAD v4.1: 9 of 1,613,606 alleles (0.00056%); highest among the groups gnomAD compares: Non-Finnish European, 0.00076%; no homozygotes.

Submission:

Labcorp Genetics (formerly Invitae), Labcorp
Classification: Uncertain significance. Last evaluated: 2025-11-16. Review status: criteria provided, single submitter. Criteria: Invitae Variant Classification Sherloc (09022015). Collection method: clinical testing. Allele origin: germline.
Comment: This sequence change replaces arginine, which is basic and polar, with histidine, which is basic and polar, at codon 36 of the ELOVL4 protein (p.Arg36His). This variant is present in population databases (rs765250776, gnomAD 0.002%). This variant has not been reported in the literature in individuals affected with ELOVL4-related conditions. ClinVar contains an entry for this variant (Variation ID: 1443441). Invitae Evidence Modeling of protein sequence and biophysical properties (such as structural, functional, and spatial information, amino acid conservation, physicochemical variation, residue mobility, and thermodynamic stability) indicates that this missense variant is expected to disrupt ELOVL4 protein function with a positive predictive value of 80%. In summary, the available evidence is currently insufficient to determine the role of this variant in disease. Therefore, it has been classified as a Variant of Uncertain Significance.

NM_022726.4(ELOVL4):c.107G>A (p.Arg36His)

Gene: ELOVL4 (ELOVL fatty acid elongase 4; minus strand). Cytogenetic location: 6q14.1.
Variant type: single nucleotide variant.
Coding change: c.107G>A on transcript NM_022726.4 (MANE Select); coding-DNA position 107, G replaced by A.
Protein change: p.Arg36His; replaces arginine 36 with histidine.
Molecular consequence: missense variant.
Genome position (GRCh38, 1-based): chr6:79,926,375, C>T on the plus strand (G>A on the coding strand, the complement: ELOVL4 is on the minus strand). VCF-style: chr6-79926375-C-T. GRCh37 (hg19) VCF-style: chr6-80636092-C-T.
Other names: short protein forms R36H.
Identifiers: ClinVar variation 1443441 (VCV001443441.6), dbSNP rs765250776, ClinGen allele CA3901611.